The following is an entry in ClinVar:

ClinVar aggregate classification (germline): Pathogenic (1 of 4 stars; one submission).

Conditions:
Lynch syndrome 4 (LYNCH4). Also called: Hereditary non-polyposis colorectal cancer, type 4; Colorectal cancer, hereditary nonpolyposis, type 4. Identifiers: Orphanet 144, MedGen C1838333, MONDO:0013699, OMIM 614337. Disease mechanism: loss of function.

Submission:

Myriad Genetics, Inc.
Classification: Pathogenic for Lynch syndrome 4. Last evaluated: 2023-09-21. Review status: criteria provided, single submitter. Criteria: Myriad Autosomal Dominant, Autosomal Recessive and X-Linked Classification Criteria (2023). Collection method: clinical testing. Allele origin: unknown.
Comment: This variant is considered pathogenic. This variant creates a frameshift predicted to result in premature protein truncation.

NM_000535.7(PMS2):c.1845del (p.Val616fs)

Gene: PMS2 (PMS1 homolog 2, mismatch repair system component; minus strand). Cytogenetic location: 7p22.1.
Variant type: Deletion.
Coding change: c.1845del on transcript NM_000535.7 (MANE Select); coding-DNA position 1845, one base deleted (T; older notation c.1845delT).
Protein change: p.Val616fs; shifts the reading frame from valine 616.
Molecular consequence: frameshift variant. On other transcripts: non-coding transcript variant (1), intron variant (1).
Genome position (GRCh38, 1-based): chr7:5,986,920, A deleted on the plus strand (T on the coding strand, the reverse complement: PMS2 is on the minus strand); the first of 2 consecutive A bases (chr7:5,986,920-5,986,921); deleting either gives the same sequence. VCF-style (leftmost placement, unchanged base first): chr7-5986919-CA-C. GRCh37 (hg19) VCF-style: chr7-6026550-CA-C.
Other names: c.1536del, p.Val513fs (NM_001406881.1, NM_001406882.1, NM_001322015.2 and 5 more transcripts); c.1527del, p.Val510fs (NM_001406883.1, NM_001406903.1, NM_001322007.2 and 2 more transcripts); c.1521del, p.Val508fs (NM_001406884.1); c.1509del, p.Val504fs (NM_001406885.1); c.1479del, p.Val494fs (NM_001406886.1); c.1440del, p.Val481fs (NM_001406887.1, NM_001406888.1, NM_001406889.1 and 16 more transcripts); c.1380del, p.Val461fs (NM_001406900.1); c.1371del, p.Val458fs (NM_001406901.1, NM_001406902.1); and 14 more; short protein forms V305fs, V359fs, V425fs, V429fs, V445fs, V458fs, V461fs, V481fs.
Identifiers: ClinVar variation 2674240 (VCV002674240.1), dbSNP rs2535724230, ClinGen allele CA2695198414.